The following is an entry in ClinVar:

NM_032119.4(ADGRV1):c.14938G>T (p.Val4980Leu)

Gene: ADGRV1 (adhesion G protein-coupled receptor V1; plus strand). Cytogenetic location: 5q14.3.
Variant type: single nucleotide variant.
Coding change: c.14938G>T on transcript NM_032119.4 (MANE Select); coding-DNA position 14938, G replaced by T.
Protein change: p.Val4980Leu; replaces valine 4980 with leucine.
Molecular consequence: missense variant. On other transcripts: non-coding transcript variant (1).
Genome position (GRCh38, 1-based): chr5:90,807,703, G>T. VCF-style: chr5-90807703-G-T. GRCh37 (hg19) VCF-style: chr5-90103520-G-T.
Other names: short protein forms V4980L.
Identifiers: ClinVar variation 1057642 (VCV001057642.7), dbSNP rs1762036028, ClinGen allele CA360406673.
Genomic context (GRCh38, chr5:90,807,703, plus strand): 5'-TTCCTGTGGACGTTTCCTAGCCCTGGTTGGCCAGAGGCCTTTGTTCTTCACCTATCAGGA[G>T]TGCAGAGCAGTGCTCCTGGCGGAGCTCAACTCCGGTAAGACCAACCTCATTCTCACCCAA-3'
Protein context (NP_115495.3, residues 4970-4990): PEAFVLHLSG[Val4980Leu]QSSAPGGAQL

ClinVar aggregate classification (germline): Uncertain significance. Review status: criteria provided, multiple submitters, no conflicts (2 of 4 stars). 2 submissions from 2 submitters: Uncertain significance (2). Last evaluated 2023-12-12.

Conditions:
Febrile seizures, familial, 4 (FEB4). Also called: CONVULSIONS, FAMILIAL FEBRILE, 4. Identifiers: MedGen C1858493, MONDO:0011443, OMIM 604352.

gnomAD v4.1: 1 of 1,587,536 alleles (0.000063%); no homozygotes.

Submissions (2):

Pittsburgh Clinical Genomics Laboratory, University of Pittsburgh Medical Center
Classification: Uncertain significance for Febrile seizures, familial, 4. Last evaluated: 2023-12-12. Review status: criteria provided, single submitter. Criteria: ACMG Guidelines, 2015. Collection method: clinical testing. Allele origin: germline. Inheritance: Autosomal unknown. Affected: yes.
Comment: This sequence variant is a single nucleotide substitution (G>T) at position 14938 of the coding sequence of the ADGRV1 gene that results in a valine to leucine amino acid change at residue 4980 of the adhesion G protein-coupled receptor V1 protein. This is a previously reported variant (ClinVar 1057642) and has not been observed in individuals affected by an ADGRV1-related disorder in the published literature, to our knowledge. This variant is present in 1 of 1435180 alleles (0.00007%) in the gnomAD v4.0.0 population dataset. Multiple bioinformatic tools predict that this valine to leucine amino acid change would be neutral, and the Val4980 residue at this position is well conserved across the vertebrate species examined. Studies examining the functional consequence of this variant have not been published, to our knowledge. At this time, there is insufficient evidence to determine if this variant is pathogenic or benign. Therefore, we consider this a variant of uncertain significance. ACMG Criteria: BP4, PM2

Labcorp Genetics (formerly Invitae), Labcorp
Classification: Uncertain significance. Last evaluated: 2021-09-02. Review status: criteria provided, single submitter. Criteria: Invitae Variant Classification Sherloc (09022015). Collection method: clinical testing. Allele origin: germline.
Comment: This sequence change replaces valine with leucine at codon 4980 of the ADGRV1 protein (p.Val4980Leu). The valine residue is moderately conserved and there is a small physicochemical difference between valine and leucine. This variant is not present in population databases (ExAC no frequency). This variant has not been reported in the literature in individuals affected with ADGRV1-related conditions. Algorithms developed to predict the effect of missense changes on protein structure and function output the following: SIFT: "Tolerated"; PolyPhen-2: "Benign"; Align-GVGD: "Class C0". The leucine amino acid residue is found in multiple mammalian species, which suggests that this missense change does not adversely affect protein function. In summary, the available evidence is currently insufficient to determine the role of this variant in disease. Therefore, it has been classified as a Variant of Uncertain Significance.